The following is an entry in ClinVar:

NM_030777.4(SLC2A10):c.1606G>A (p.Glu536Lys)

Gene: SLC2A10 (solute carrier family 2 member 10; plus strand). Cytogenetic location: 20q13.12.
Variant type: single nucleotide variant.
Coding change: c.1606G>A on transcript NM_030777.4 (MANE Select); coding-DNA position 1606, G replaced by A.
Protein change: p.Glu536Lys; replaces glutamic acid 536 with lysine.
Molecular consequence: missense variant.
Genome position (GRCh38, 1-based): chr20:46,733,814, G>A. VCF-style: chr20-46733814-G-A. GRCh37 (hg19) VCF-style: chr20-45362453-G-A.
Other names: short protein forms E536K.
Identifiers: ClinVar variation 655986 (VCV000655986.10), dbSNP rs1238866581, ClinGen allele CA409274866.

ClinVar aggregate classification (germline): Conflicting classifications of pathogenicity. Review status: criteria provided, conflicting classifications (1 of 4 stars). 3 submissions from 3 submitters: Uncertain significance (2); Likely benign (1). Last evaluated 2026-07-13.

Conditions:
Familial thoracic aortic aneurysm and aortic dissection (TAAD). Also called: Thoracic aortic aneurysms and dissections. Identifiers: Orphanet 91387, MedGen C4707243, MONDO:0019625.
Arterial tortuosity syndrome (ATORS). Identifiers: Orphanet 3342, MedGen C1859726, MONDO:0008818, OMIM 208050.

Allele frequency attached by ClinVar (database versions not stated): gnomAD exomes below 0.00001; gnomAD 0.00001; TOPMed 0.00004.
gnomAD v4.1: 7 of 1,614,060 alleles (0.00043%); highest among the groups gnomAD compares: Admixed American, 0.005%; no homozygotes.

Submissions (3):

Ambry Genetics
Classification: Likely benign for Familial thoracic aortic aneurysm and aortic dissection. Last evaluated: 2026-07-13. Review status: criteria provided, single submitter. Criteria: Ambry Variant Classification Scheme 2023. Collection method: clinical testing. Allele origin: germline.

Women's Health and Genetics/Laboratory Corporation of America, LabCorp
Classification: Uncertain significance. Last evaluated: 2024-08-05. Review status: criteria provided, single submitter. Criteria: LabCorp Variant Classification Summary - May 2015. Collection method: clinical testing. Allele origin: germline.
Comment: Variant summary: SLC2A10 c.1606G>A (p.Glu536Lys) results in a conservative amino acid change in the encoded protein sequence. Five of five in-silico tools predict a benign effect of the variant on protein function. The variant allele was found at a frequency of 4e-06 in 251450 control chromosomes. The available data on variant occurrences in the general population are insufficient to allow any conclusion about variant significance. To our knowledge, no occurrence of c.1606G>A in individuals affected with SLC2A10-related conditions and no experimental evidence demonstrating its impact on protein function have been reported. ClinVar contains an entry for this variant (Variation ID: 655986). Based on the evidence outlined above, the variant was classified as uncertain significance.

Labcorp Genetics (formerly Invitae), Labcorp
Classification: Uncertain significance for Arterial tortuosity syndrome. Last evaluated: 2023-08-30. Review status: criteria provided, single submitter. Criteria: Invitae Variant Classification Sherloc (09022015). Collection method: clinical testing. Allele origin: germline.
Comment: Advanced modeling of protein sequence and biophysical properties (such as structural, functional, and spatial information, amino acid conservation, physicochemical variation, residue mobility, and thermodynamic stability) performed at Invitae indicates that this missense variant is not expected to disrupt SLC2A10 protein function. ClinVar contains an entry for this variant (Variation ID: 655986). This variant has not been reported in the literature in individuals affected with SLC2A10-related conditions. This variant is present in population databases (no rsID available, gnomAD 0.0009%). This sequence change replaces glutamic acid, which is acidic and polar, with lysine, which is basic and polar, at codon 536 of the SLC2A10 protein (p.Glu536Lys). In summary, the available evidence is currently insufficient to determine the role of this variant in disease. Therefore, it has been classified as a Variant of Uncertain Significance.